The following is an entry in ClinVar:

ClinVar aggregate classification (germline): Likely pathogenic (1 of 4 stars; one submission).

Conditions:
Meckel-Gruber syndrome. Also called: GRUBER SYNDROME; DYSENCEPHALIA SPLANCHNOCYSTICA; Dysencephalia splachnocystica. Identifiers: Orphanet 564, MedGen C0265215, MONDO:0018921.
Joubert syndrome. Also called: Familial aplasia of the vermis; JOUBERT-BOLTSHAUSER SYNDROME; CEREBELLOPARENCHYMAL DISORDER IV. Identifiers: Orphanet 475, MedGen C5979921, MONDO:0018772.
Nephronophthisis. Also called: Juvenile Nephronophthisis. Identifiers: Orphanet 655, MedGen C0687120, MONDO:0019005, HP:0000090.

Submission:

Labcorp Genetics (formerly Invitae), Labcorp
Classification: Likely pathogenic for Joubert syndrome; Meckel-Gruber syndrome; Nephronophthisis. Last evaluated: 2025-02-27. Review status: criteria provided, single submitter. Criteria: Invitae Variant Classification Sherloc (09022015). Collection method: clinical testing. Allele origin: germline.
Comment: This sequence change affects a donor splice site in intron 19 of the CEP290 gene. It is expected to disrupt RNA splicing. Variants that disrupt the donor or acceptor splice site typically lead to a loss of protein function (PMID: 16199547), and loss-of-function variants in CEP290 are known to be pathogenic (PMID: 16909394, 17345604, 20690115). This variant is not present in population databases (gnomAD no frequency). This variant has not been reported in the literature in individuals affected with CEP290-related conditions. Algorithms developed to predict the effect of sequence changes on RNA splicing suggest that this variant may disrupt the consensus splice site. In summary, the currently available evidence indicates that the variant is pathogenic, but additional data are needed to prove that conclusively. Therefore, this variant has been classified as Likely Pathogenic.

Literature cited by the submitters: PubMed 16199547; PubMed 16909394; PubMed 17345604; PubMed 20690115.

NM_025114.4(CEP290):c.1909+1G>A

Gene: CEP290 (centrosomal protein 290; minus strand). Cytogenetic location: 12q21.32.
Variant type: single nucleotide variant.
Coding change: c.1909+1G>A on transcript NM_025114.4 (MANE Select); the canonical splice donor site of the intron after coding-DNA position 1909, G replaced by A.
Molecular consequence: splice donor variant.
Genome position (GRCh38, 1-based): chr12:88,115,097, C>T on the plus strand (G>A on the coding strand, the complement: CEP290 is on the minus strand). VCF-style: chr12-88115097-C-T. GRCh37 (hg19) VCF-style: chr12-88508874-C-T.
Identifiers: ClinVar variation 4784297 (VCV004784297.1).
Genomic context (GRCh38, chr12:88,115,097, plus strand): 5'-GCCCATGATTTTAAGTATAGGAAAAATAAGAACAGAAAAGTAAAAGATAATTGTAACTTA[C>T]ATTTATTCTGAAATTTGGCTATCACTGTCCTACTCCTTTCTAAATCTCTTTCTTTTTCAA-3'